The following is an entry in ClinVar:

NM_017780.4(CHD7):c.6469A>G (p.Ile2157Val)

Gene: CHD7 (chromodomain helicase DNA binding protein 7; plus strand). Cytogenetic location: 8q12.2.
Variant type: single nucleotide variant.
Coding change: c.6469A>G on transcript NM_017780.4 (MANE Select); coding-DNA position 6469, A replaced by G.
Protein change: p.Ile2157Val; replaces isoleucine 2157 with valine.
Molecular consequence: missense variant. On other transcripts: intron variant (1).
Genome position (GRCh38, 1-based): chr8:60,853,194, A>G. VCF-style: chr8-60853194-A-G. GRCh37 (hg19) VCF-style: chr8-61765753-A-G.
Other names: c.1717-9035A>G (NM_001316690.1); short protein forms I2157V.
Identifiers: ClinVar variation 363474 (VCV000363474.6), dbSNP rs886063039, ClinGen allele CA10631416.
Genomic context (GRCh38, chr8:60,853,194, plus strand): 5'-GCAGGTAATACATCTTCCTTGAACCCACTGGCAGTTGGATTTGTCCAGACTCCTCCAGTC[A>G]TCTCATCTGCTCATATTCAAGATGAGAGGGTACTGGAACAAGCCGAAGGCAAAGTGGAGG-3'
Protein context (NP_060250.2, residues 2147-2167): AVGFVQTPPV[Ile2157Val]SSAHIQDERV

ClinVar aggregate classification (germline): Uncertain significance. Review status: criteria provided, multiple submitters, no conflicts (2 of 4 stars). 2 submissions from 2 submitters: Uncertain significance (2). Last evaluated 2026-05-23.

Conditions:
Inborn genetic diseases. Identifiers: MedGen C0950123, MeSH D030342.
Hypogonadotropic hypogonadism 5 with or without anosmia (KAL5). Also called: CHD7-Related GnRH Deficiency (Kallmann Syndrome 5); HYPOGONADOTROPIC HYPOGONADISM 5 WITH ANOSMIA; HYPOGONADOTROPHIC HYPOGONADISM 5 WITHOUT ANOSMIA. Identifiers: Orphanet 478, MedGen C3552553, MONDO:0012880, OMIM 612370. Disease mechanism: loss of function.

Allele frequency attached by ClinVar (database versions not stated): gnomAD exomes below 0.00001.
gnomAD v4.1: 2 of 1,613,940 alleles (0.00012%); highest among the groups gnomAD compares: East Asian, 0.0022%; no homozygotes.

Submissions (2):

Ambry Genetics
Classification: Uncertain significance for Inborn genetic diseases. Last evaluated: 2026-05-23. Review status: criteria provided, single submitter. Criteria: Ambry Variant Classification Scheme 2023. Collection method: clinical testing. Allele origin: germline.
Comment: The p.I2157V variant (also known as c.6469A>G), located in coding exon 30 of the CHD7 gene, results from an A to G substitution at nucleotide position 6469. The isoleucine at codon 2157 is replaced by valine, an amino acid with highly similar properties. This amino acid position is conserved. In addition, this alteration is predicted to be tolerated by in silico analysis. Based on the available evidence, the clinical significance of this variant remains unclear.

Illumina Laboratory Services, Illumina
Classification: Uncertain significance for Kallmann Syndrome 5. Last evaluated: 2018-01-13. Review status: criteria provided, single submitter. Criteria: ICSL Variant Classification Criteria 13 December 2019. Collection method: clinical testing. Allele origin: germline.